The following is an entry in ClinVar:

ClinVar aggregate classification (germline): Benign. Review status: criteria provided, multiple submitters, no conflicts (2 of 4 stars). 2 submissions from 2 submitters: Benign (2). Last evaluated 2026-01-28.

Conditions:
Vanishing white matter disease. Also called: CACH syndrome; Childhood ataxia with diffuse central nervous system hypomyelination; Leukoencephalopathy with vanishing white matter; CACH/VWM syndrome; Cree leukoencehalopathy. Identifiers: Orphanet 135, Orphanet 99853, MedGen C1858991, MONDO:0800448.

Allele frequency attached by ClinVar (database versions not stated): gnomAD 0.00014 and 0.00015; TOPMed 0.00057; ExAC 0.00105; gnomAD exomes 0.00127.
gnomAD v4.1: 356 of 1,591,322 alleles (0.022%); highest among the groups gnomAD compares: Admixed American, 0.65%; no homozygotes.

Submissions (2):

Labcorp Genetics (formerly Invitae), Labcorp
Classification: Benign. Last evaluated: 2026-01-28. Review status: criteria provided, single submitter. Criteria: Invitae Variant Classification Sherloc (09022015). Collection method: clinical testing. Allele origin: germline.

Illumina Laboratory Services, Illumina
Classification: Benign for Leukoencephalopathy with vanishing white matter 1. Last evaluated: 2018-01-13. Review status: criteria provided, single submitter. Criteria: ICSL Variant Classification Criteria 13 December 2019. Collection method: clinical testing. Allele origin: germline.
Comment: This variant was observed in the ICSL laboratory as part of a predisposition screen in an ostensibly healthy population. It had not been previously curated by ICSL or reported in the Human Gene Mutation Database (HGMD: prior to June 1st, 2018), and was therefore a candidate for classification through an automated scoring system. Utilizing variant allele frequency, disease prevalence and penetrance estimates, and inheritance mode, an automated score was calculated to assess if this variant is too frequent to cause the disease. Based on the score and internal cut-off values, a variant classified as benign is not then subjected to further curation. The score for this variant resulted in a classification of benign for this disease.

NM_020365.5(EIF2B3):c.439G>C (p.Gly147Arg)

Gene: EIF2B3 (eukaryotic translation initiation factor 2B subunit gamma; minus strand). Cytogenetic location: 1p34.1.
Variant type: single nucleotide variant.
Coding change: c.439G>C on transcript NM_020365.5 (MANE Select); coding-DNA position 439, G replaced by C.
Protein change: p.Gly147Arg; replaces glycine 147 with arginine.
Molecular consequence: missense variant.
Genome position (GRCh38, 1-based): chr1:44,941,521, C>G on the plus strand (G>C on the coding strand, the complement: EIF2B3 is on the minus strand). VCF-style: chr1-44941521-C-G. GRCh37 (hg19) VCF-style: chr1-45407193-C-G.
Other names: c.439G>C, p.Gly147Arg (NM_001166588.3, NM_001261418.2); short protein forms G147R.
Identifiers: ClinVar variation 297446 (VCV000297446.15), dbSNP rs529374377, ClinGen allele CA824028.
Genomic context (GRCh38, chr1:44,941,521, plus strand): 5'-AATTACGAAAACTCAACAAACAAAACAAACTCCAATCTTCCTTACCTGCTTTTTTTTTCC[C>G]CTTTTGACCGGGAACAGGTTCTATGCTATCTTGGCCTTTTCTCATCAACATAGCAAGTGA-3'
Protein context (NP_065098.1, residues 137-157): DSIEPVPGQK[Gly147Arg]KKKAVEQRDF